The following is an entry in ClinVar:

NM_001457.4(FLNB):c.5494G>A (p.Val1832Met)

Gene: FLNB (filamin B; plus strand). Cytogenetic location: 3p14.3.
Variant type: single nucleotide variant.
Coding change: c.5494G>A on transcript NM_001457.4 (MANE Select); coding-DNA position 5494, G replaced by A.
Protein change: p.Val1832Met; replaces valine 1832 with methionine.
Molecular consequence: missense variant.
Genome position (GRCh38, 1-based): chr3:58,145,989, G>A. VCF-style: chr3-58145989-G-A. GRCh37 (hg19) VCF-style: chr3-58131716-G-A.
Other names: c.5587G>A, p.Val1863Met (NM_001164317.2); c.5461G>A, p.Val1821Met (NM_001164318.2); c.5422G>A, p.Val1808Met (NM_001164319.2); short protein forms V1821M, V1808M, V1832M, V1863M.
Identifiers: ClinVar variation 2848350 (VCV002848350.3), dbSNP rs747963108, ClinGen allele CA2469082.

ClinVar aggregate classification (germline): Uncertain significance (1 of 4 stars; one submission).

Allele frequency attached by ClinVar (database versions not stated): gnomAD exomes below 0.00001; TOPMed below 0.00001; ExAC 0.00001; gnomAD 0.00001.
gnomAD v4.1: 3 of 1,614,008 alleles (0.00019%); highest among the groups gnomAD compares: Non-Finnish European, 0.00025%; no homozygotes.

Submission:

Labcorp Genetics (formerly Invitae), Labcorp
Classification: Uncertain significance. Last evaluated: 2023-03-21. Review status: criteria provided, single submitter. Criteria: Invitae Variant Classification Sherloc (09022015). Collection method: clinical testing. Allele origin: germline.
Comment: Advanced modeling of protein sequence and biophysical properties (such as structural, functional, and spatial information, amino acid conservation, physicochemical variation, residue mobility, and thermodynamic stability) performed at Invitae indicates that this missense variant is not expected to disrupt FLNB protein function. This variant has not been reported in the literature in individuals affected with FLNB-related conditions. In summary, the available evidence is currently insufficient to determine the role of this variant in disease. Therefore, it has been classified as a Variant of Uncertain Significance. This variant is present in population databases (rs747963108, gnomAD 0.002%). This sequence change replaces valine, which is neutral and non-polar, with methionine, which is neutral and non-polar, at codon 1832 of the FLNB protein (p.Val1832Met).